The following is an entry in ClinVar:

ClinVar aggregate classification (germline): Pathogenic (1 of 4 stars; one submission).

Conditions:
Dextro-looped transposition of the great arteries. Also called: Dextrotransposition of the great arteries. Identifiers: Orphanet 860, MedGen C3531771, MONDO:0019443, OMIM 608808, HP:0031348.

Submission:

Labcorp Genetics (formerly Invitae), Labcorp
Classification: Pathogenic for Dextro-looped transposition of the great arteries. Last evaluated: 2022-12-14. Review status: criteria provided, single submitter. Criteria: Invitae Variant Classification Sherloc (09022015). Collection method: clinical testing. Allele origin: germline.
Comment: This sequence change creates a premature translational stop signal (p.Glu496*) in the MED13L gene. It is expected to result in an absent or disrupted protein product. Loss-of-function variants in MED13L are known to be pathogenic (PMID: 25712080, 25758992). This variant is not present in population databases (gnomAD no frequency). This variant has not been reported in the literature in individuals affected with MED13L-related conditions. For these reasons, this variant has been classified as Pathogenic.

Literature cited by the submitters: PubMed 25712080; PubMed 25758992.

NM_015335.5(MED13L):c.1486G>T (p.Glu496Ter)

Gene: MED13L (mediator complex subunit 13L; minus strand). Cytogenetic location: 12q24.21.
Variant type: single nucleotide variant.
Coding change: c.1486G>T on transcript NM_015335.5 (MANE Select); coding-DNA position 1486, G replaced by T.
Protein change: p.Glu496Ter; replaces glutamic acid 496 with a stop codon.
Molecular consequence: nonsense.
Genome position (GRCh38, 1-based): chr12:116,008,927, C>A on the plus strand (G>T on the coding strand, the complement: MED13L is on the minus strand). VCF-style: chr12-116008927-C-A. GRCh37 (hg19) VCF-style: chr12-116446732-C-A.
Other names: short protein forms E496*.
Identifiers: ClinVar variation 2820850 (VCV002820850.3), dbSNP rs2499913247, ClinGen allele CA386896290.